The following is an entry in ClinVar:

ClinVar aggregate classification (germline): Likely benign. Review status: criteria provided, multiple submitters, no conflicts (2 of 4 stars). 2 submissions from 2 submitters: Likely benign (2). Last evaluated 2025-03-27.

Conditions:
Pitt-Hopkins-like syndrome 2 (PTHSL2). Identifiers: Orphanet 221150, Orphanet 600663, MedGen C3280479, MONDO:0013690, OMIM 614325.

Allele frequency attached by ClinVar (database versions not stated): gnomAD exomes below 0.00001; TOPMed below 0.00001; gnomAD 0.00001.
gnomAD v4.1: 5 of 1,613,418 alleles (0.00031%); highest among the groups gnomAD compares: Non-Finnish European, 0.00042%; no homozygotes.

Submissions (2):

Labcorp Genetics (formerly Invitae), Labcorp
Classification: Likely benign for Pitt-Hopkins-like syndrome 2. Last evaluated: 2025-03-27. Review status: criteria provided, single submitter. Criteria: Invitae Variant Classification Sherloc (09022015). Collection method: clinical testing. Allele origin: germline.

GeneDx
Classification: Likely benign. Last evaluated: 2015-12-11. Review status: criteria provided, single submitter. Criteria: GeneDx Variant Classification (06012015). Collection method: clinical testing. Allele origin: germline. Affected: yes.
Comment: This variant is considered likely benign or benign based on one or more of the following criteria: it is a conservative change, it occurs at a poorly conserved position in the protein, it is predicted to be benign by multiple in silico algorithms, and/or has population frequency not consistent with disease.

NM_001330078.2(NRXN1):c.2247G>A (p.Gln749=)

Gene: NRXN1 (neurexin 1; minus strand). Cytogenetic location: 2p16.3.
Variant type: single nucleotide variant.
Coding change: c.2247G>A on transcript NM_001330078.2 (MANE Select); coding-DNA position 2247, G replaced by A.
Protein change: p.Gln749=; no amino-acid change (glutamine 749 retained).
Molecular consequence: synonymous variant.
Genome position (GRCh38, 1-based): chr2:50,531,327, C>T on the plus strand (G>A on the coding strand, the complement: NRXN1 is on the minus strand). VCF-style: chr2-50531327-C-T. GRCh37 (hg19) VCF-style: chr2-50758465-C-T.
Other names: c.2367G>A, p.Gln789= (NM_001135659.3); c.2223G>A, p.Gln741= (NM_001330077.2, NM_001330082.2, NM_001330095.2); c.2208G>A, p.Gln736= (NM_001330083.2, NM_001330084.2); c.2247G>A, p.Gln749= (NM_001330085.2, NM_001330086.2, NM_004801.6); c.2163G>A, p.Gln721= (NM_001330087.2, NM_001330096.2); c.2193G>A, p.Gln731= (NM_001330088.2); c.2244G>A, p.Gln748= (NM_001330093.2); c.2235G>A, p.Gln745= (NM_001330094.2).
Identifiers: ClinVar variation 382298 (VCV000382298.5), dbSNP rs1057521319, ClinGen allele CA16604221.
Genomic context (GRCh38, chr2:50,531,327, plus strand): 5'-CAGGCGGAGGGTGTCAGCAGAGTCTCTAGAAGTGGTTGCCATCAGAATGCCATATGCACG[C>T]TGGGATCGGAACCGTAAGGAAACATCCTCAGCCTCCGTATGCATGACTACGGGGAGCTGA-3'
Protein context (NP_001317007.1, residues 739-759): AEDVSLRFRS[Gln749=]RAYGILMATT